The following is an entry in ClinVar:

NM_178172.6(GPIHBP1):c.443A>T (p.Asp148Val)

Gene: GPIHBP1 (glycosylphosphatidylinositol anchored high density lipoprotein binding protein 1; plus strand). Cytogenetic location: 8q24.3.
Variant type: single nucleotide variant.
Coding change: c.443A>T on transcript NM_178172.6 (MANE Select); coding-DNA position 443, A replaced by T.
Protein change: p.Asp148Val; replaces aspartic acid 148 with valine.
Molecular consequence: missense variant. On other transcripts: intron variant (1).
Genome position (GRCh38, 1-based): chr8:143,215,406, A>T. VCF-style: chr8-143215406-A-T. GRCh37 (hg19) VCF-style: chr8-144297281-A-T.
Other names: c.375+68A>T (NM_001301772.2); short protein forms D148V.
Identifiers: ClinVar variation 4031267 (VCV004031267.1).

ClinVar aggregate classification (germline): Uncertain significance (1 of 4 stars; one submission).

Conditions:
Cardiovascular phenotype. Identifiers: MedGen CN230736.

Submission:

Ambry Genetics
Classification: Uncertain significance for Cardiovascular phenotype. Last evaluated: 2025-04-14. Review status: criteria provided, single submitter. Criteria: Ambry Variant Classification Scheme 2023. Collection method: clinical testing. Allele origin: germline.
Comment: The p.D148V variant (also known as c.443A>T), located in coding exon 4 of the GPIHBP1 gene, results from an A to T substitution at nucleotide position 443. The aspartic acid at codon 148 is replaced by valine, an amino acid with highly dissimilar properties. This amino acid position is conserved. In addition, this alteration is predicted to be tolerated by in silico analysis. Based on the available evidence, the clinical significance of this variant remains unclear.